The following is an entry in ClinVar:

GRCh38/hg38 15q15.3(chr15:43576372-43700429)x1

Genes: CATSPER2 (cation channel sperm associated 2; minus strand), CKMT1A (creatine kinase, mitochondrial 1A; plus strand), CKMT1B (creatine kinase, mitochondrial 1B; plus strand), PPIP5K1 (diphosphoinositol pentakisphosphate kinase 1; minus strand), STRC (stereocilin; minus strand) and 2 more. Cytogenetic location: 15q15.3.
Variant type: copy number loss.
Change: copy number 1 (one copy instead of two) of chr15:43,576,372-43,700,429 (124.1 kb, GRCh38 coordinates, 1-based), cytogenetic band 15q15.3.
Identifiers: ClinVar variation 4796024 (VCV004796024.1).

ClinVar aggregate classification (germline): Uncertain significance (1 of 4 stars; one submission).

Submission:

Medical Genetic Center, Changzhi Maternal and Child Health Care Hospital
Classification: Uncertain significance. Last evaluated: 2025-12-10. Review status: criteria provided, single submitter. Criteria: ACMG/ClinGen CNV Guidelines, 2019. Collection method: clinical testing. Allele origin: unknown.
Comment: STRC deletion cariirer